The following is an entry in ClinVar:

ClinVar aggregate classification (germline): Likely benign (1 of 4 stars; one submission).

Conditions:
UNC79-related disorder. Also called: UNC79-related condition.

Submission:

PreventionGenetics, part of Exact Sciences
Classification: Likely benign for UNC79-related condition. Last evaluated: 2025-06-19. Review status: criteria provided, single submitter. Criteria: ACMG Guidelines, 2015. Collection method: clinical testing. Allele origin: germline.
Comment: This variant is classified as likely benign based on ACMG/AMP sequence variant interpretation guidelines (Richards et al. 2015 PMID: 25741868, with internal and published modifications).

NM_001395159.1(UNC79):c.23-6A>T

Gene: UNC79 (unc-79 subunit of NALCN channel complex; plus strand). Cytogenetic location: 14q32.12.
Variant type: single nucleotide variant.
Coding change: c.23-6A>T on transcript NM_001395159.1 (MANE Select); 6 bases into the intron before coding-DNA position 23, A replaced by T.
Molecular consequence: intron variant.
Genome position (GRCh38, 1-based): chr14:93,467,665, A>T. VCF-style: chr14-93467665-A-T. GRCh37 (hg19) VCF-style: chr14-93934011-A-T.
Other names: c.-350-6A>T (NM_020818.5); c.23-6A>T (NM_001346218.2).
Identifiers: ClinVar variation 4980522 (VCV004980522.1).